The following is an entry in ClinVar:

NM_001080512.3(BICC1):c.1065G>A (p.Val355=)

Gene: BICC1 (BicC family RNA binding protein 1; plus strand). Cytogenetic location: 10q21.1.
Variant type: single nucleotide variant.
Coding change: c.1065G>A on transcript NM_001080512.3 (MANE Select); coding-DNA position 1065, G replaced by A.
Protein change: p.Val355=; no amino-acid change (valine 355 retained).
Molecular consequence: synonymous variant.
Genome position (GRCh38, 1-based): chr10:58,793,501, G>A. VCF-style: chr10-58793501-G-A. GRCh37 (hg19) VCF-style: chr10-60553261-G-A.
Other names: c.1065G>A (NM_001080512.2).
Identifiers: ClinVar variation 1544689 (VCV001544689.39), dbSNP rs148760146, ClinGen allele CA5508394.

ClinVar aggregate classification (germline): Benign/Likely benign. Review status: criteria provided, multiple submitters, no conflicts (2 of 4 stars). 3 submissions from 3 submitters: Benign (1); Likely benign (2). Last evaluated 2026-01-07.

Conditions:
BICC1-related disorder. Also called: BICC1-related condition.

Allele frequency attached by ClinVar (database versions not stated): 1000 Genomes Project 0.00020; 1000 Genomes Project 30x 0.00031; gnomAD exomes 0.00109 and 0.00207; ExAC 0.00116; gnomAD 0.00121 and 0.00131; TOPMed 0.00135; ESP Exome Variant Server 0.00161.
gnomAD v4.1: 3,155 of 1,611,986 alleles (0.2%); highest among the groups gnomAD compares: Non-Finnish European, 0.26%; 5 homozygotes.

Submissions (3):

Labcorp Genetics (formerly Invitae), Labcorp
Classification: Benign. Last evaluated: 2026-01-07. Review status: criteria provided, single submitter. Criteria: Invitae Variant Classification Sherloc (09022015). Collection method: clinical testing. Allele origin: germline.

CeGaT Center for Human Genetics Tuebingen
Classification: Likely benign. Last evaluated: 2025-07-01. Review status: criteria provided, single submitter. Criteria: CeGaT Center For Human Genetics Tuebingen Variant Classification Criteria Version 2. Collection method: clinical testing. Allele origin: germline. Affected: yes. Observed: 3 variant alleles.
Comment: BICC1: BP4, BS1

PreventionGenetics, part of Exact Sciences
Classification: Likely benign for BICC1-related condition. Last evaluated: 2025-02-14. Review status: criteria provided, single submitter. Criteria: ACMG Guidelines, 2015. Collection method: clinical testing. Allele origin: germline.
Comment: This variant is classified as likely benign based on ACMG/AMP sequence variant interpretation guidelines (Richards et al. 2015 PMID: 25741868, with internal and published modifications).